The following is an entry in ClinVar:

ClinVar aggregate classification (germline): Uncertain significance (0 of 4 stars; one submission).

Conditions:
Congenital secretory diarrhea, chloride type (DIAR1). Also called: DIARRHEA 1, SECRETORY CHLORIDE, CONGENITAL; CHLORIDORRHEA, CONGENITAL; CHLORIDE DIARRHEA, CONGENITAL, FINNISH TYPE. Identifiers: Orphanet 53689, MedGen C0267662, MONDO:0008964, OMIM 214700.

Submission:

Royal Medical Services, Bahrain Defence Force Hospital
Classification: Uncertain significance for Congenital secretory diarrhea, chloride type. Review status: no assertion criteria provided. Collection method: clinical testing. Allele origin: inherited. Inheritance: Autosomal recessive inheritance. Affected: yes. Observed: 1 homozygote.
Comment: The SLC26A3 variant c.202C>T p.(Arg68Trp) causes an amino acid change from Arg to Trp at position 68 in exon(s) no. 3 (of 21). To the best of our knowledge this is a novel variant not previously reported in the literature. It is classified as variant of uncertain significance based on CENTOGENE's implementation of the ACMG/AMP/ClinGen SVI guidelines.

Literature cited by the submitters: PubMed 19861545.

NM_000111.3(SLC26A3):c.202C>T (p.Arg68Trp)

Gene: SLC26A3 (solute carrier family 26 member 3; minus strand). Cytogenetic location: 7q22.3.
Variant type: single nucleotide variant.
Coding change: c.202C>T on transcript NM_000111.3 (MANE Select); coding-DNA position 202, C replaced by T.
Protein change: p.Arg68Trp; replaces arginine 68 with tryptophan.
Molecular consequence: missense variant.
Genome position (GRCh38, 1-based): chr7:107,793,811, G>A on the plus strand (C>T on the coding strand, the complement: SLC26A3 is on the minus strand). VCF-style: chr7-107793811-G-A. GRCh37 (hg19) VCF-style: chr7-107434256-G-A.
Other names: short protein forms R68W.
Identifiers: ClinVar variation 3242407 (VCV003242407.2), dbSNP rs1344409154.